The following is an entry in ClinVar:

ClinVar aggregate classification (germline): Conflicting classifications of pathogenicity. Review status: criteria provided, conflicting classifications (1 of 4 stars). 4 submissions from 4 submitters: Uncertain significance (3); Likely benign (1). Last evaluated 2026-08-06.

Conditions:
Cardiovascular phenotype. Identifiers: MedGen CN230736.
Hypertrophic cardiomyopathy 14. Identifiers: MedGen C2750467, MONDO:0013197, OMIM 613251.

Allele frequency attached by ClinVar (database versions not stated): gnomAD 0.00006 and 0.00007; 1000 Genomes Project 30x 0.00016; ExAC 0.00011; 1000 Genomes Project 0.00020; TOPMed 0.00004; gnomAD exomes 0.00010.
gnomAD v4.1: 43 of 1,614,202 alleles (0.0027%); highest among the groups gnomAD compares: East Asian, 0.025%; no homozygotes.

Submissions (4):

OLLIN Analises Genomicas, OLLIN
Classification: Uncertain significance for Hypertrophic cardiomyopathy 14. Last evaluated: 2026-08-06. Review status: criteria provided, single submitter. Criteria: ACMG Guidelines 2015 PMID 25741868. Collection method: clinical testing. Allele origin: germline. Inheritance: Autosomal dominant inheritance.
Comment: This missense variant, located in exon 13 (of 39), has been reported in ClinVar (accession VCV000239164.15) and in gnomAD with an allele frequency of 0.0027%. However, to our knowledge, it has not been reported in the scientific literature. In silico analysis predicts that this variant has a deleterious effect. According to the currently available evidence, this variant has been classified as uncertain significance (PP3, BS1).

Labcorp Genetics (formerly Invitae), Labcorp
Classification: Likely benign for Hypertrophic cardiomyopathy 14. Last evaluated: 2025-03-06. Review status: criteria provided, single submitter. Criteria: Invitae Variant Classification Sherloc (09022015). Collection method: clinical testing. Allele origin: germline.

Ambry Genetics
Classification: Uncertain significance for Cardiovascular phenotype. Last evaluated: 2025-01-14. Review status: criteria provided, single submitter. Criteria: Ambry Variant Classification Scheme 2023. Collection method: clinical testing. Allele origin: germline.
Comment: The p.R443C variant (also known as c.1327C>T), located in coding exon 11 of the MYH6 gene, results from a C to T substitution at nucleotide position 1327. The arginine at codon 443 is replaced by cysteine, an amino acid with highly dissimilar properties. This alteration has been reported in a hypertrophic cardiomyopathy (HCM) cohort and in a dilated cardiomyopathy (DCM) cohort; however, clinical details were limited (Lopes LR et al. Heart, 2015 Feb;101:294-301; Haas J et al. Eur. Heart J., 2015 May;36:1123-35a). This variant has also been reported in a pediatric cardiomyopathy cohort (Ware SM et al. Am J Hum Genet, 2022 Feb;109:282-298). This amino acid position is highly conserved in available vertebrate species. In addition, this alteration is predicted to be deleterious by in silico analysis. Since supporting evidence is limited at this time, the clinical significance of this alteration remains unclear.

GeneDx
Classification: Uncertain significance. Last evaluated: 2023-09-11. Review status: criteria provided, single submitter. Criteria: GeneDx Variant Classification Process June 2021. Collection method: clinical testing. Allele origin: germline. Affected: yes.
Comment: Reported in individuals with HCM, DCM and atrial fibrillation in published literature (Lopes et al., 2013; Lopes et al., 2015; Haas et al., 2015; Gregers et al., 2017), although no segregation or functional studies were reported; In silico analysis supports that this missense variant has a deleterious effect on protein structure/function; This variant is associated with the following publications: (PMID: 25163546, 25351510, 28549997, 23396983)

Literature cited by the submitters: PubMed 25163546 (cited by Ambry Genetics); PubMed 25351510 (cited by Ambry Genetics); PubMed 35026164 (cited by Ambry Genetics).

NM_002471.4(MYH6):c.1327C>T (p.Arg443Cys)

Gene: MYH6 (myosin heavy chain 6; minus strand). Cytogenetic location: 14q11.2.
Variant type: single nucleotide variant.
Coding change: c.1327C>T on transcript NM_002471.4 (MANE Select); coding-DNA position 1327, C replaced by T.
Protein change: p.Arg443Cys; replaces arginine 443 with cysteine.
Molecular consequence: missense variant.
Genome position (GRCh38, 1-based): chr14:23,400,792, G>A on the plus strand (C>T on the coding strand, the complement: MYH6 is on the minus strand). VCF-style: chr14-23400792-G-A. GRCh37 (hg19) VCF-style: chr14-23870001-G-A.
Other names: short protein forms R443C.
Identifiers: ClinVar variation 239164 (VCV000239164.16), dbSNP rs182373896, ClinGen allele CA7115838.